The following is an entry in ClinVar:

ClinVar aggregate classification (germline): Uncertain significance (1 of 4 stars; one submission).

Conditions:
Familial adenomatous polyposis 1 (FAP1). Also called: FAMILIAL ADENOMATOUS POLYPOSIS 1, ATTENUATED; POLYPOSIS, ADENOMATOUS INTESTINAL. Identifiers: MedGen C2713442, MONDO:0021056, OMIM 175100. Disease mechanism: loss of function.

Allele frequency attached by ClinVar (database versions not stated): gnomAD exomes 0.00001 and below 0.00001.
gnomAD v4.1: 3 of 1,370,614 alleles (0.00022%); highest among the groups gnomAD compares: East Asian, 0.0068%; no homozygotes.

Submission:

Labcorp Genetics (formerly Invitae), Labcorp
Classification: Uncertain significance for Familial adenomatous polyposis 1. Last evaluated: 2024-05-27. Review status: criteria provided, single submitter. Criteria: Invitae Variant Classification Sherloc (09022015). Collection method: clinical testing. Allele origin: germline.
Comment: This variant occurs in a non-coding region of the APC gene. It does not change the encoded amino acid sequence of the APC protein. The frequency data for this variant in the population databases is considered unreliable, as metrics indicate poor data quality at this position in the gnomAD database. This variant has not been reported in the literature in individuals affected with APC-related conditions. ClinVar contains an entry for this variant (Variation ID: 537595). Experimental studies and prediction algorithms are not available or were not evaluated, and the functional significance of this variant is currently unknown. In summary, the available evidence is currently insufficient to determine the role of this variant in disease. Therefore, it has been classified as a Variant of Uncertain Significance.

NM_001127511.3(APC):c.100G>A (p.Val34Ile)

Gene: APC (APC regulator of Wnt signaling pathway; plus strand). Cytogenetic location: 5q22.2.
Variant type: single nucleotide variant.
Coding change: c.100G>A on transcript NM_001127511.3; coding-DNA position 100, G replaced by A.
Protein change: p.Val34Ile; replaces valine 34 with isoleucine.
Molecular consequence: missense variant. On other transcripts: 5 prime UTR variant (8), non-coding transcript variant (1), intron variant (5).
Genome position (GRCh38, 1-based): chr5:112,707,817, G>A. VCF-style: chr5-112707817-G-A. GRCh37 (hg19) VCF-style: chr5-112043514-G-A.
Other names: c.-84G>A (NM_001407460.1, NM_001407469.1, NM_001354895.2 and 3 more transcripts); c.-1119G>A (NM_001407470.1, NM_001407472.1); c.-19+168G>A (NM_001407448.1, NM_001407450.1, NM_001407457.1 and 1 more transcripts); c.-43+168G>A (NM_001407453.1); c.100G>A, p.Val34Ile (NM_001354897.2, NM_001354902.2, NM_001407446.1); short protein forms V34I.
Identifiers: ClinVar variation 537595 (VCV000537595.9), dbSNP rs1232734822, ClinGen allele CA360611986.